The following is an entry in ClinVar:

NM_006231.4(POLE):c.6083G>C (p.Arg2028Thr)

Gene: POLE (DNA polymerase epsilon, catalytic subunit; minus strand). Cytogenetic location: 12q24.33.
Variant type: single nucleotide variant.
Coding change: c.6083G>C on transcript NM_006231.4 (MANE Select); coding-DNA position 6083, G replaced by C.
Protein change: p.Arg2028Thr; replaces arginine 2028 with threonine.
Molecular consequence: missense variant.
Genome position (GRCh38, 1-based): chr12:132,632,717, C>G on the plus strand (G>C on the coding strand, the complement: POLE is on the minus strand). VCF-style: chr12-132632717-C-G. GRCh37 (hg19) VCF-style: chr12-133209303-C-G.
Other names: short protein forms R2028T.
Identifiers: ClinVar variation 540819 (VCV000540819.26), dbSNP rs749132017, ClinGen allele CA6892284.

ClinVar aggregate classification (germline): Uncertain significance. Review status: criteria provided, multiple submitters, no conflicts (2 of 4 stars). 4 submissions from 4 submitters: Uncertain significance (4). Last evaluated 2026-01-16.

Conditions:
Hereditary cancer-predisposing syndrome. Also called: Hereditary Cancer Syndrome; Tumor predisposition; Neoplastic Syndromes, Hereditary; Hereditary neoplastic syndrome. Identifiers: Orphanet 140162, MedGen C0027672, MeSH D009386, MONDO:0015356.

Allele frequency attached by ClinVar (database versions not stated): TOPMed below 0.00001; ExAC 0.00001; gnomAD exomes 0.00001.
gnomAD v4.1: 6 of 1,613,840 alleles (0.00037%); highest among the groups gnomAD compares: Admixed American, 0.0017%; no homozygotes.

Submissions (4):

Labcorp Genetics (formerly Invitae), Labcorp
Classification: Uncertain significance. Last evaluated: 2026-01-16. Review status: criteria provided, single submitter. Criteria: Invitae Variant Classification Sherloc (09022015). Collection method: clinical testing. Allele origin: germline.
Comment: This sequence change replaces arginine, which is basic and polar, with threonine, which is neutral and polar, at codon 2028 of the POLE protein (p.Arg2028Thr). This variant is present in population databases (rs749132017, gnomAD 0.002%). This variant has not been reported in the literature in individuals affected with POLE-related conditions. ClinVar contains an entry for this variant (Variation ID: 540819). An algorithm developed to predict the effect of missense changes on protein structure and function (PolyPhen-2) suggests that this variant is likely to be tolerated. In summary, the available evidence is currently insufficient to determine the role of this variant in disease. Therefore, it has been classified as a Variant of Uncertain Significance.

Ambry Genetics
Classification: Uncertain significance for Hereditary cancer-predisposing syndrome. Last evaluated: 2025-02-27. Review status: criteria provided, single submitter. Criteria: Ambry Variant Classification Scheme 2023. Collection method: clinical testing. Allele origin: germline.
Comment: The p.R2028T variant (also known as c.6083G>C), located in coding exon 44 of the POLE gene, results from a G to C substitution at nucleotide position 6083. The arginine at codon 2028 is replaced by threonine, an amino acid with similar properties. This amino acid position is conserved. In addition, this alteration is predicted to be tolerated by in silico analysis. Based on the available evidence, the clinical significance of this variant remains unclear.

CeGaT Center for Human Genetics Tuebingen
Classification: Uncertain significance. Last evaluated: 2024-12-01. Review status: criteria provided, single submitter. Criteria: CeGaT Center For Human Genetics Tuebingen Variant Classification Criteria Version 2. Collection method: clinical testing. Allele origin: germline. Affected: yes. Observed: 1 variant allele.
Comment: POLE: PM2, BP4

GeneDx
Classification: Uncertain significance. Last evaluated: 2022-10-03. Review status: criteria provided, single submitter. Criteria: GeneDx Variant Classification Process June 2021. Collection method: clinical testing. Allele origin: germline. Affected: yes.
Comment: Not observed at significant frequency in large population cohorts (gnomAD); In silico analysis supports that this missense variant does not alter protein structure/function; Has not been previously published as pathogenic or benign to our knowledge